The following is an entry in ClinVar:

NM_000975.5(RPL11):c.7-1G>T

Gene: RPL11 (ribosomal protein L11; plus strand). Cytogenetic location: 1p36.11.
Variant type: single nucleotide variant.
Coding change: c.7-1G>T on transcript NM_000975.5 (MANE Select); the canonical splice acceptor site of the intron before coding-DNA position 7, G replaced by T.
Molecular consequence: splice acceptor variant. On other transcripts: intron variant (1).
Genome position (GRCh38, 1-based): chr1:23,692,608, G>T. VCF-style: chr1-23692608-G-T. GRCh37 (hg19) VCF-style: chr1-24019098-G-T.
Other names: c.7-4G>T (NM_001199802.1).
Identifiers: ClinVar variation 858562 (VCV000858562.10), dbSNP rs1644507858, ClinGen allele CA338991247.
Genomic context (GRCh38, chr1:23,692,608, plus strand): 5'-AGTAGTAAAACTCAGGGCCCTCAGCTGTGAGTGTATTGACTGCTGCTCTTCCCTGTTGCA[G>T]CAGGATCAAGGTGAAAAGGAGAACCCCATGCGGGAACTTCGCATCCGCAAACTCTGTCTC-3'

ClinVar aggregate classification (germline): Uncertain significance (1 of 4 stars; one submission).

Conditions:
Diamond-Blackfan anemia. Also called: Blackfan Diamond syndrome; Aregenerative anemia chronic congenital; Red cell aplasia, pure hereditary; Congenital hypoplastic anemia; Aase syndrome. Identifiers: Orphanet 124, MedGen C1260899, MeSH D029503, MONDO:0015253, HP:0004810.

Submission:

Labcorp Genetics (formerly Invitae), Labcorp
Classification: Uncertain significance for Diamond-Blackfan anemia. Last evaluated: 2022-10-04. Review status: criteria provided, single submitter. Criteria: Invitae Variant Classification Sherloc (09022015). Collection method: clinical testing. Allele origin: germline.
Comment: In summary, the available evidence is currently insufficient to determine the role of this variant in disease. Therefore, it has been classified as a Variant of Uncertain Significance. Algorithms developed to predict the effect of sequence changes on RNA splicing suggest that this variant may disrupt the consensus splice site, and lead to utilization of a cryptic splice site located 3 nucleotides downstream. Use of this cryptic splice site would lead to an in-frame loss of 1 amino acid, but would otherwise preserve the integrity of the reading frame. An exon lacking this amino acid naturally occurs in an alternate isoform of RPL11 (NM_001199802.1). This prediction has not been confirmed by published transcriptional studies, but suggests that the clinical significance of this splice variant may be uncertain. Algorithms developed to predict the effect of sequence changes on RNA splicing suggest that this variant may disrupt the consensus splice site. ClinVar contains an entry for this variant (Variation ID: 858562). This variant has not been reported in the literature in individuals affected with RPL11-related conditions. This variant is not present in population databases (gnomAD no frequency). This sequence change affects an acceptor splice site in intron 1 of the RPL11 gene. It is expected to disrupt RNA splicing. Variants that disrupt the donor or acceptor splice site typically lead to a loss of protein function (PMID: 16199547), and loss-of-function variants in RPL11 are known to be pathogenic (PMID: 19061985, 19773262).

Literature cited by the submitters: PubMed 16199547; PubMed 19061985; PubMed 19773262.